The following is an entry in ClinVar:

NM_001002755.2(NFU1):c.-458G>C

Gene: NFU1 (NFU1 iron-sulfur cluster scaffold; minus strand). Cytogenetic location: 2p13.3.
Variant type: single nucleotide variant.
Coding change: c.-458G>C on transcript NM_001002755.2; 458 bases upstream of the start codon, G replaced by C.
Molecular consequence: intron variant (on NM_001374284.1).
Genome position (GRCh38, 1-based): chr2:69,437,880, C>G on the plus strand (G>C on the coding strand, the complement: NFU1 is on the minus strand). VCF-style: chr2-69437880-C-G. GRCh37 (hg19) VCF-style: chr2-69665012-C-G.
Other names: c.-11+173G>C (NM_001374284.1).
Identifiers: ClinVar variation 683206 (VCV000683206.3), dbSNP rs6731035, ClinGen allele CA49535730.

ClinVar aggregate classification (germline): Benign (1 of 4 stars; one submission).

Allele frequency attached by ClinVar (database versions not stated): 1000 Genomes Project 30x 0.08073; gnomAD 0.03782 and 0.03470; TOPMed 0.04072; 1000 Genomes Project 0.08566.
gnomAD v4.1: 5,702 of 152,230 alleles (3.7%); highest among the groups gnomAD compares: East Asian, 18%; 306 homozygotes.

Submission:

GeneDx
Classification: Benign. Last evaluated: 2018-06-16. Review status: criteria provided, single submitter. Criteria: GeneDx Variant Classification (06012015). Collection method: clinical testing. Allele origin: germline. Affected: yes.
Comment: This variant is considered likely benign or benign based on one or more of the following criteria: it is a conservative change, it occurs at a poorly conserved position in the protein, it is predicted to be benign by multiple in silico algorithms, and/or has population frequency not consistent with disease.